The following is an entry in ClinVar:

ClinVar aggregate classification (germline): Uncertain significance (1 of 4 stars; one submission).

Conditions:
PCNT-related disorder. Also called: PCNT-related condition.

gnomAD v4.1: 11 of 1,607,954 alleles (0.00068%); highest among the groups gnomAD compares: African/African-American, 0.0027%; no homozygotes.

Submission:

PreventionGenetics, part of Exact Sciences
Classification: Uncertain significance for PCNT-related condition. Last evaluated: 2026-07-13. Review status: criteria provided, single submitter. Criteria: ACMG Guidelines, 2015. Collection method: clinical testing. Allele origin: germline.
Comment: The PCNT c.5944G>A variant is predicted to result in the amino acid substitution p.Val1982Met. To our knowledge, this variant has not been reported in the literature. This variant is reported in 0.0019% of alleles in individuals of European (Non-Finnish) descent in gnomAD. At this time, the clinical significance of this variant is uncertain due to the absence of conclusive functional and genetic evidence.

NM_006031.6(PCNT):c.5944G>A (p.Val1982Met)

Gene: PCNT (pericentrin; plus strand). Cytogenetic location: 21q22.3.
Variant type: single nucleotide variant.
Coding change: c.5944G>A on transcript NM_006031.6 (MANE Select); coding-DNA position 5944, G replaced by A.
Protein change: p.Val1982Met; replaces valine 1982 with methionine.
Molecular consequence: missense variant.
Genome position (GRCh38, 1-based): chr21:46,412,017, G>A. VCF-style: chr21-46412017-G-A. GRCh37 (hg19) VCF-style: chr21-47831931-G-A.
Other names: c.5590G>A, p.Val1864Met (NM_001315529.2); short protein forms V1864M, V1982M.
Identifiers: ClinVar variation 4981714 (VCV004981714.1).
Genomic context (GRCh38, chr21:46,412,017, plus strand): 5'-CCCGGGGCCCACCCACAGCCTCGCATGGATGGTGGCGCCAAGGCCCAGGTCACCGGCGAC[G>A]TGGAGGCCTCCCATGATGCTGCTTTGGAGCCGGTTGTCCCTGACCCACAGGTGGGCTCCC-3'
Protein context (NP_006022.3, residues 1972-1992): GGAKAQVTGD[Val1982Met]EASHDAALEP